The following is an entry in ClinVar:

NM_000057.4(BLM):c.3752-7del

Gene: BLM (BLM RecQ like helicase; plus strand). Cytogenetic location: 15q26.1.
Variant type: Deletion.
Coding change: c.3752-7del on transcript NM_000057.4 (MANE Select); 7 bases into the intron before coding-DNA position 3752, one base deleted (T; older notation c.3752-7delT).
Molecular consequence: intron variant.
Genome position (GRCh38, 1-based): chr15:90,809,130, T deleted; the last of 3 consecutive T bases (chr15:90,809,128-90,809,130); deleting any one gives the same sequence. VCF-style (leftmost placement, unchanged base first): chr15-90809127-CT-C. GRCh37 (hg19) VCF-style: chr15-91352357-CT-C.
Other names: c.3752-7del (NM_001287246.2); c.2627-7del (NM_001287248.2); c.3359-7del (NM_001287247.2).
Identifiers: ClinVar variation 4533153 (VCV004533153.1).

ClinVar aggregate classification (germline): Uncertain significance (1 of 4 stars; one submission).

Submission:

Quest Diagnostics Nichols Institute San Juan Capistrano
Classification: Uncertain significance. Last evaluated: 2025-01-22. Review status: criteria provided, single submitter. Criteria: Quest Diagnostics criteria. Collection method: clinical testing. Allele origin: unknown.
Comment: The BLM c.3752-7del variant has not been reported in individuals with BLM-related conditions in the published literature. It also has not been reported in large, multi-ethnic general populations (Genome Aggregation Database). Analysis of this variant using software algorithms for the prediction of the effect of nucleotide changes on splicing yielded predictions that this variant does not affect BLM mRNA splicing. Based on the available information, we are unable to determine the clinical significance of this variant.